The following is an entry in ClinVar:

NM_001165963.4(SCN1A):c.4261G>T (p.Gly1421Trp)

Genes: SCN1A (sodium voltage-gated channel alpha subunit 1; minus strand), LOC102724058 (uncharacterized LOC102724058; plus strand). Cytogenetic location: 2q24.3.
Variant type: single nucleotide variant.
Coding change: c.4261G>T on transcript NM_001165963.4 (MANE Select); coding-DNA position 4261, G replaced by T.
Protein change: p.Gly1421Trp; replaces glycine 1421 with tryptophan.
Molecular consequence: missense variant. On other transcripts: non-coding transcript variant (1).
Genome position (GRCh38, 1-based): chr2:166,002,495, C>A on the plus strand (G>T on the coding strand, the complement: SCN1A is on the minus strand). VCF-style: chr2-166002495-C-A. GRCh37 (hg19) VCF-style: chr2-166859005-C-A.
Other names: c.4177G>T, p.Gly1393Trp (NM_001165964.3, NM_001353957.2, NM_001353958.2); c.4261G>T, p.Gly1421Trp (NM_001202435.3, NM_001353948.2); c.4228G>T, p.Gly1410Trp (NM_001353949.2, NM_001353950.2, NM_001353951.2 and 2 more transcripts); c.4225G>T, p.Gly1409Trp (NM_001353954.2, NM_001353955.2); c.4174G>T, p.Gly1392Trp (NM_001353960.2); c.1819G>T, p.Gly607Trp (NM_001353961.2); short protein forms G1410W, G1393W, G1421W, G1409W, G607W, G1392W.
Identifiers: ClinVar variation 2203180 (VCV002203180.4), dbSNP rs2468433703, ClinGen allele CA349049905.

ClinVar aggregate classification (germline): Likely pathogenic (1 of 4 stars; one submission).

Conditions:
Early-infantile DEE. Also called: Early infantile epileptic encephalopathy with suppression bursts; Early infantile epileptic encephalopathy; Ohtahara syndrome. Identifiers: Orphanet 1934, MedGen C0393706, MONDO:0800491.

Submission:

Labcorp Genetics (formerly Invitae), Labcorp
Classification: Likely pathogenic for Early-infantile DEE. Last evaluated: 2022-03-26. Review status: criteria provided, single submitter. Criteria: Invitae Variant Classification Sherloc (09022015). Collection method: clinical testing. Allele origin: germline.
Comment: In summary, the currently available evidence indicates that the variant is pathogenic, but additional data are needed to prove that conclusively. Therefore, this variant has been classified as Likely Pathogenic. Advanced modeling of protein sequence and biophysical properties (such as structural, functional, and spatial information, amino acid conservation, physicochemical variation, residue mobility, and thermodynamic stability) performed at Invitae indicates that this missense variant is expected to disrupt SCN1A protein function. This missense change has been observed in individual(s) with Dravet syndrome (PMID: 29141279). This variant is not present in population databases (gnomAD no frequency). This sequence change replaces glycine, which is neutral and non-polar, with tryptophan, which is neutral and slightly polar, at codon 1421 of the SCN1A protein (p.Gly1421Trp).

Literature cited by the submitters: PubMed 29141279.